The following is an entry in ClinVar:

ClinVar aggregate classification (germline): Uncertain significance (1 of 4 stars; one submission).

Submission:

Dasa
Classification: Uncertain significance. Last evaluated: 2026-04-10. Review status: criteria provided, single submitter. Criteria: DASA Assertion Criteria. Collection method: clinical testing. Allele origin: germline.
Comment: NM_000336.3(SCNN1B):c.1770C>G (p.Phe590Leu) is a missense variant that results in the substitution of phenylalanine with leucine. This variant is rare in population databases. The currently available literature and clinical evidence are not sufficient to establish a definitive association between this variant and the reported condition. Therefore, this variant is classified as a variant of uncertain significance.

NM_000336.3(SCNN1B):c.1770C>G (p.Phe590Leu)

Gene: SCNN1B (sodium channel epithelial 1 subunit beta; plus strand). Cytogenetic location: 16p12.2.
Variant type: single nucleotide variant.
Coding change: c.1770C>G on transcript NM_000336.3 (MANE Select); coding-DNA position 1770, C replaced by G.
Protein change: p.Phe590Leu; replaces phenylalanine 590 with leucine.
Molecular consequence: missense variant.
Genome position (GRCh38, 1-based): chr16:23,380,648, C>G. VCF-style: chr16-23380648-C-G. GRCh37 (hg19) VCF-style: chr16-23391969-C-G.
Other names: c.1662C>G, p.Phe554Leu (NM_001410900.1); short protein forms F554L, F590L.
Identifiers: ClinVar variation 4883217 (VCV004883217.2).